The following is an entry in ClinVar:

NM_213720.3(CHCHD10):c.8G>A (p.Arg3Gln)

Gene: CHCHD10 (coiled-coil-helix-coiled-coil-helix domain containing 10; minus strand). Cytogenetic location: 22q11.23.
Variant type: single nucleotide variant.
Coding change: c.8G>A on transcript NM_213720.3 (MANE Select); coding-DNA position 8, G replaced by A.
Protein change: p.Arg3Gln; replaces arginine 3 with glutamine.
Molecular consequence: missense variant. On other transcripts: non-coding transcript variant (2).
Genome position (GRCh38, 1-based): chr22:23,767,867, C>T on the plus strand (G>A on the coding strand, the complement: CHCHD10 is on the minus strand). VCF-style: chr22-23767867-C-T. GRCh37 (hg19) VCF-style: chr22-24110054-C-T.
Other names: c.8G>A, p.Arg3Gln (NM_001301339.2); short protein forms R3Q.
Identifiers: ClinVar variation 4790348 (VCV004790348.1).

ClinVar aggregate classification (germline): Uncertain significance (1 of 4 stars; one submission).

Conditions:
Lower motor neuron syndrome with late-adult onset (SMAJ). Also called: Spinal muscular atrophy, Jokela type; Late-Onset Spinal Motor Neuronopathy (SMAJ). Identifiers: Orphanet 276435, MedGen C3554398, MONDO:0014025, OMIM 615048.
Frontotemporal dementia and/or amyotrophic lateral sclerosis 2. Also called: FTDALS2. Identifiers: Orphanet 275872, MedGen C4014648, MONDO:0014395, OMIM 615911.
Autosomal dominant mitochondrial myopathy with exercise intolerance (IMMD). Also called: Myopathy, isolated mitochondrial, autosomal dominant. Identifiers: Orphanet 457050, MedGen C4015513, MONDO:0014532, OMIM 616209.

gnomAD v4.1: 3 of 1,513,502 alleles (0.0002%); highest among the groups gnomAD compares: Non-Finnish European, 0.00027%; no homozygotes.

Submission:

Labcorp Genetics (formerly Invitae), Labcorp
Classification: Uncertain significance for Lower motor neuron syndrome with late-adult onset; Frontotemporal dementia and/or amyotrophic lateral sclerosis 2; Autosomal dominant mitochondrial myopathy with exercise intolerance. Last evaluated: 2025-11-06. Review status: criteria provided, single submitter. Criteria: Invitae Variant Classification Sherloc (09022015). Collection method: clinical testing. Allele origin: germline.
Comment: This sequence change replaces arginine, which is basic and polar, with glutamine, which is neutral and polar, at codon 3 of the CHCHD10 protein (p.Arg3Gln). This variant is not present in population databases (gnomAD no frequency). This variant has not been reported in the literature in individuals affected with CHCHD10-related conditions. Experimental studies and prediction algorithms are not available or were not evaluated, and the functional significance of this variant is currently unknown. In summary, the available evidence is currently insufficient to determine the role of this variant in disease. Therefore, it has been classified as a Variant of Uncertain Significance.